The following is an entry in ClinVar:

NM_031935.3(HMCN1):c.15778A>G (p.Asn5260Asp)

Gene: HMCN1 (hemicentin 1; plus strand). Cytogenetic location: 1q31.1.
Variant type: single nucleotide variant.
Coding change: c.15778A>G on transcript NM_031935.3 (MANE Select); coding-DNA position 15778, A replaced by G.
Protein change: p.Asn5260Asp; replaces asparagine 5260 with aspartic acid.
Molecular consequence: missense variant.
Genome position (GRCh38, 1-based): chr1:186,172,095, A>G. VCF-style: chr1-186172095-A-G. GRCh37 (hg19) VCF-style: chr1-186141227-A-G.
Other names: c.15778A>G (NM_031935.2); short protein forms N5260D.
Identifiers: ClinVar variation 1964323 (VCV001964323.6), dbSNP rs758157151, ClinGen allele CA1295368.

ClinVar aggregate classification (germline): Uncertain significance. Review status: criteria provided, multiple submitters, no conflicts (2 of 4 stars). 2 submissions from 2 submitters: Uncertain significance (2). Last evaluated 2024-12-02.

Allele frequency attached by ClinVar (database versions not stated): TOPMed below 0.00001; ExAC 0.00001; gnomAD 0.00001.
gnomAD v4.1: 6 of 1,613,784 alleles (0.00037%); highest among the groups gnomAD compares: South Asian, 0.0011%; no homozygotes.

Submissions (2):

Ambry Genetics
Classification: Uncertain significance. Last evaluated: 2024-12-02. Review status: criteria provided, single submitter. Criteria: Ambry Variant Classification Scheme 2023. Collection method: clinical testing. Allele origin: germline.

Labcorp Genetics (formerly Invitae), Labcorp
Classification: Uncertain significance. Last evaluated: 2024-01-22. Review status: criteria provided, single submitter. Criteria: Invitae Variant Classification Sherloc (09022015). Collection method: clinical testing. Allele origin: germline.
Comment: This sequence change replaces asparagine, which is neutral and polar, with aspartic acid, which is acidic and polar, at codon 5260 of the HMCN1 protein (p.Asn5260Asp). This variant is present in population databases (rs758157151, gnomAD 0.0009%). This variant has not been reported in the literature in individuals affected with HMCN1-related conditions. ClinVar contains an entry for this variant (Variation ID: 1964323). An algorithm developed to predict the effect of missense changes on protein structure and function (PolyPhen-2) suggests that this variant is likely to be tolerated. In summary, the available evidence is currently insufficient to determine the role of this variant in disease. Therefore, it has been classified as a Variant of Uncertain Significance.